The following is an entry in ClinVar:

NM_003105.6(SORL1):c.4379C>A (p.Thr1460Asn)

Genes: SORL1 (sortilin related receptor 1; plus strand), LOC126861368 (P300/CBP strongly-dependent group 1 enhancer GRCh37_chr11:121465964-121467163; plus strand). Cytogenetic location: 11q24.1.
Variant type: single nucleotide variant.
Coding change: c.4379C>A on transcript NM_003105.6 (MANE Select); coding-DNA position 4379, C replaced by A.
Protein change: p.Thr1460Asn; replaces threonine 1460 with asparagine.
Molecular consequence: missense variant.
Genome position (GRCh38, 1-based): chr11:121,595,632, C>A. VCF-style: chr11-121595632-C-A. GRCh37 (hg19) VCF-style: chr11-121466341-C-A.
Other names: short protein forms T1460N.
Identifiers: ClinVar variation 3001036 (VCV003001036.3), dbSNP rs12799188, ClinGen allele CA383034703.

ClinVar aggregate classification (germline): Uncertain significance (1 of 4 stars; one submission).

Allele frequency attached by ClinVar (database versions not stated): gnomAD exomes below 0.00001; TOPMed below 0.00001; gnomAD 0.00001.
gnomAD v4.1: 2 of 1,601,748 alleles (0.00012%); highest among the groups gnomAD compares: Non-Finnish European, 0.00017%; no homozygotes.

Submission:

Labcorp Genetics (formerly Invitae), Labcorp
Classification: Uncertain significance. Last evaluated: 2023-10-28. Review status: criteria provided, single submitter. Criteria: Invitae Variant Classification Sherloc (09022015). Collection method: clinical testing. Allele origin: germline.
Comment: This sequence change replaces threonine, which is neutral and polar, with asparagine, which is neutral and polar, at codon 1460 of the SORL1 protein (p.Thr1460Asn). This variant is not present in population databases (gnomAD no frequency). This variant has not been reported in the literature in individuals affected with SORL1-related conditions. An algorithm developed to predict the effect of missense changes on protein structure and function (PolyPhen-2) suggests that this variant is likely to be tolerated. In summary, the available evidence is currently insufficient to determine the role of this variant in disease. Therefore, it has been classified as a Variant of Uncertain Significance.